The following is an entry in ClinVar:

NM_020937.4(FANCM):c.1056A>G (p.Ile352Met)

Gene: FANCM (FA complementation group M; plus strand). Cytogenetic location: 14q21.2.
Variant type: single nucleotide variant.
Coding change: c.1056A>G on transcript NM_020937.4 (MANE Select); coding-DNA position 1056, A replaced by G.
Protein change: p.Ile352Met; replaces isoleucine 352 with methionine.
Molecular consequence: missense variant.
Genome position (GRCh38, 1-based): chr14:45,153,925, A>G. VCF-style: chr14-45153925-A-G. GRCh37 (hg19) VCF-style: chr14-45623128-A-G.
Other names: c.978A>G, p.Ile326Met (NM_001308133.2); c.1056A>G, p.Ile352Met (NM_001308134.2); c.1056A>G (NM_020937.3); short protein forms I352M, I326M.
Identifiers: ClinVar variation 847736 (VCV000847736.11), dbSNP rs1376949981, ClinGen allele CA389590780.

ClinVar aggregate classification (germline): Uncertain significance. Review status: criteria provided, multiple submitters, no conflicts (2 of 4 stars). 3 submissions from 3 submitters: Uncertain significance (3). Last evaluated 2026-01-14.

Conditions:
FANCM-related disorder. Also called: FANCM-related condition.
Fanconi anemia (FA). Also called: Fanconi's anemia. Identifiers: Orphanet 84, MedGen C0015625, MeSH D005199, MONDO:0019391.
Inborn genetic diseases. Identifiers: MedGen C0950123, MeSH D030342.

Allele frequency attached by ClinVar (database versions not stated): TOPMed below 0.00001.

Submissions (3):

PreventionGenetics, part of Exact Sciences
Classification: Uncertain significance for FANCM-related condition. Last evaluated: 2026-01-14. Review status: criteria provided, single submitter. Criteria: ACMG Guidelines, 2015. Collection method: clinical testing. Allele origin: germline.
Comment: The FANCM c.1056A>G variant is predicted to result in the amino acid substitution p.Ile352Met. To our knowledge, this variant has not been reported in the literature or in a large population database (gnomAD), indicating this variant is rare. At this time, the clinical significance of this variant is uncertain due to the absence of conclusive functional and genetic evidence.

Ambry Genetics
Classification: Uncertain significance for Inborn genetic diseases. Last evaluated: 2025-05-05. Review status: criteria provided, single submitter. Criteria: Ambry Variant Classification Scheme 2023. Collection method: clinical testing. Allele origin: germline.
Comment: The p.I352M variant (also known as c.1056A>G), located in coding exon 6 of the FANCM gene, results from an A to G substitution at nucleotide position 1056. The isoleucine at codon 352 is replaced by methionine, an amino acid with highly similar properties. This amino acid position is conserved. In addition, this alteration is predicted to be tolerated by in silico analysis. Based on the available evidence, the clinical significance of this variant remains unclear.

Labcorp Genetics (formerly Invitae), Labcorp
Classification: Uncertain significance for Fanconi anemia. Last evaluated: 2022-12-01. Review status: criteria provided, single submitter. Criteria: Invitae Variant Classification Sherloc (09022015). Collection method: clinical testing. Allele origin: germline.
Comment: ClinVar contains an entry for this variant (Variation ID: 847736). This sequence change replaces isoleucine, which is neutral and non-polar, with methionine, which is neutral and non-polar, at codon 352 of the FANCM protein (p.Ile352Met). This variant is not present in population databases (gnomAD no frequency). This variant has not been reported in the literature in individuals affected with FANCM-related conditions. Algorithms developed to predict the effect of missense changes on protein structure and function output the following: SIFT: "Tolerated"; PolyPhen-2: "Benign"; Align-GVGD: "Class C0". The methionine amino acid residue is found in multiple mammalian species, which suggests that this missense change does not adversely affect protein function. In summary, the available evidence is currently insufficient to determine the role of this variant in disease. Therefore, it has been classified as a Variant of Uncertain Significance.